The following is an entry in ClinVar:

NM_022124.6(CDH23):c.6859A>G (p.Asn2287Asp)

Gene: CDH23 (cadherin related 23; plus strand). Cytogenetic location: 10q22.1.
Variant type: single nucleotide variant.
Coding change: c.6859A>G on transcript NM_022124.6 (MANE Select); coding-DNA position 6859, A replaced by G.
Protein change: p.Asn2287Asp; replaces asparagine 2287 with aspartic acid.
Molecular consequence: missense variant.
Genome position (GRCh38, 1-based): chr10:71,798,383, A>G. VCF-style: chr10-71798383-A-G. GRCh37 (hg19) VCF-style: chr10-73558140-A-G.
Other names: c.139A>G, p.Asn47Asp (NM_001171933.1, NM_001171934.1); short protein forms N2287D, N47D.
Identifiers: ClinVar variation 840497 (VCV000840497.10), dbSNP rs1841461501, ClinGen allele CA377157708.

ClinVar aggregate classification (germline): Uncertain significance (1 of 4 stars; one submission).

Submission:

Labcorp Genetics (formerly Invitae), Labcorp
Classification: Uncertain significance. Last evaluated: 2019-12-28. Review status: criteria provided, single submitter. Criteria: Invitae Variant Classification Sherloc (09022015). Collection method: clinical testing. Allele origin: germline.
Comment: In summary, the available evidence is currently insufficient to determine the role of this variant in disease. Therefore, it has been classified as a Variant of Uncertain Significance. Algorithms developed to predict the effect of missense changes on protein structure and function are either unavailable or do not agree on the potential impact of this missense change (SIFT: "Deleterious"; PolyPhen-2: "Not Available"; Align-GVGD: "Class C15"). This variant has not been reported in the literature in individuals with CDH23-related conditions. This variant is not present in population databases (ExAC no frequency). This sequence change replaces asparagine with aspartic acid at codon 2287 of the CDH23 protein (p.Asn2287Asp). The asparagine residue is highly conserved and there is a small physicochemical difference between asparagine and aspartic acid.